The following is an entry in ClinVar:

ClinVar aggregate classification (germline): Conflicting classifications of pathogenicity. Review status: criteria provided, conflicting classifications (1 of 4 stars). 3 submissions from 3 submitters: Uncertain significance (2); Likely benign (1). Last evaluated 2026-04-06.

Conditions:
Hereditary breast ovarian cancer syndrome. Also called: Hereditary breast and ovarian cancer; Hereditary breast and ovarian cancer syndrome (HBOC); Hereditary breast and/or ovarian cancer syndrome; Breast and ovarian cancer; BRCA1- and BRCA2-Associated Hereditary Breast and Ovarian Cancer; Hereditary breast and ovarian cancer syndrome. Identifiers: Orphanet 145, MedGen C0677776, MeSH D061325, MONDO:0003582. Disease mechanism: loss of function.
Hereditary cancer-predisposing syndrome. Also called: Tumor predisposition; Neoplastic Syndromes, Hereditary; Hereditary neoplastic syndrome; Hereditary Cancer Syndrome. Identifiers: Orphanet 140162, MedGen C0027672, MeSH D009386, MONDO:0015356.

Submissions (3):

Ambry Genetics
Classification: Uncertain significance for Hereditary cancer-predisposing syndrome. Last evaluated: 2026-04-06. Review status: criteria provided, single submitter. Criteria: Ambry Variant Classification Scheme 2023. Collection method: clinical testing. Allele origin: germline.
Comment: The p.T499P variant (also known as c.1495A>C), located in coding exon 9 of the BRCA1 gene, results from an A to C substitution at nucleotide position 1495. The threonine at codon 499 is replaced by proline, an amino acid with highly similar properties. This amino acid position is not well conserved in available vertebrate species. In addition, this alteration is predicted to be deleterious by in silico analysis. Based on the available evidence, the clinical significance of this variant remains unclear.

University of Washington Department of Laboratory Medicine, University of Washington
Classification: Likely benign for Hereditary cancer-predisposing syndrome. Last evaluated: 2023-03-23. Review status: criteria provided, single submitter. Criteria: Dines et al. (Genet Med. 2020). Collection method: curation. Allele origin: germline.
Comment: Missense variant in a coldspot region where missense variants are very unlikely to be pathogenic (PMID:31911673).

BRCA1 coldspot (exon 11 using historical exon numbering). Reclassification based on statistical prior probability

Labcorp Genetics (formerly Invitae), Labcorp
Classification: Uncertain significance for Hereditary breast ovarian cancer syndrome. Last evaluated: 2021-10-01. Review status: criteria provided, single submitter. Criteria: Invitae Variant Classification Sherloc (09022015). Collection method: clinical testing. Allele origin: germline.
Comment: In summary, the available evidence is currently insufficient to determine the role of this variant in disease. Therefore, it has been classified as a Variant of Uncertain Significance. Algorithms developed to predict the effect of missense changes on protein structure and function are either unavailable or do not agree on the potential impact of this missense change (SIFT: "Tolerated"; PolyPhen-2: "Probably Damaging"; Align-GVGD: "Class C0"). This variant has not been reported in the literature in individuals affected with BRCA1-related conditions. This variant is not present in population databases (ExAC no frequency). This sequence change replaces threonine with proline at codon 499 of the BRCA1 protein (p.Thr499Pro). The threonine residue is moderately conserved and there is a small physicochemical difference between threonine and proline.

NM_007294.4(BRCA1):c.1495A>C (p.Thr499Pro)

Gene: BRCA1 (BRCA1 DNA repair associated; minus strand). Cytogenetic location: 17q21.31.
Variant type: single nucleotide variant.
Coding change: c.1495A>C on transcript NM_007294.4 (MANE Select); coding-DNA position 1495, A replaced by C.
Protein change: p.Thr499Pro; replaces threonine 499 with proline.
Molecular consequence: missense variant. On other transcripts: intron variant (137).
Genome position (GRCh38, 1-based): chr17:43,094,036, T>G on the plus strand (A>C on the coding strand, the complement: BRCA1 is on the minus strand). VCF-style: chr17-43094036-T-G. GRCh37 (hg19) VCF-style: chr17-41246053-T-G.
Other names: c.1282A>C, p.Thr428Pro (NM_001407571.1, NM_001407896.1, NM_001407897.1 and 9 more transcripts); c.1495A>C, p.Thr499Pro (NM_001407581.1, NM_001407582.1, NM_001407583.1 and 30 more transcripts); c.1492A>C, p.Thr498Pro (NM_001407587.1, NM_001407590.1, NM_001407591.1 and 22 more transcripts); c.1486A>C, p.Thr496Pro (NM_001407646.1, NM_001407647.1); c.1372A>C, p.Thr458Pro (NM_001407648.1, NM_001407666.1, NM_001407667.1 and 19 more transcripts); c.1369A>C, p.Thr457Pro (NM_001407649.1, NM_001407670.1, NM_001407671.1 and 11 more transcripts); c.1417A>C, p.Thr473Pro (NM_001407653.1, NM_001407654.1, NM_001407655.1 and 4 more transcripts); c.1354A>C, p.Thr452Pro (NM_001407692.1, NM_001407694.1, NM_001407730.1 and 29 more transcripts); and 40 more; short protein forms T499P, T452P, T411P, T457P, T498P, T331P, T371P, T410P.
Identifiers: ClinVar variation 846776 (VCV000846776.12), dbSNP rs2053931342, ClinGen allele CA10599058.